The following is an entry in ClinVar:

ClinVar aggregate classification (germline): Uncertain significance (1 of 4 stars; one submission).

Submission:

Ambry Genetics
Classification: Uncertain significance. Last evaluated: 2024-02-10. Review status: criteria provided, single submitter. Criteria: Ambry Variant Classification Scheme 2023. Collection method: clinical testing. Allele origin: germline.
Comment: The p.Y1151S variant (also known as c.3452A>C), located in coding exon 30 of the KIF1B gene, results from an A to C substitution at nucleotide position 3452. The tyrosine at codon 1151 is replaced by serine, an amino acid with dissimilar properties. This amino acid position is conserved. In addition, this alteration is predicted to be deleterious by in silico analysis. Based on the available evidence, the clinical significance of this alteration remains unclear.

NM_001365951.3(KIF1B):c.3590A>C (p.Tyr1197Ser)

Gene: KIF1B (kinesin family member 1B; plus strand). Cytogenetic location: 1p36.22.
Variant type: single nucleotide variant.
Coding change: c.3590A>C on transcript NM_001365951.3 (MANE Select); coding-DNA position 3590, A replaced by C.
Protein change: p.Tyr1197Ser; replaces tyrosine 1197 with serine.
Molecular consequence: missense variant.
Genome position (GRCh38, 1-based): chr1:10,342,126, A>C. VCF-style: chr1-10342126-A-C. GRCh37 (hg19) VCF-style: chr1-10402184-A-C.
Other names: c.3590A>C, p.Tyr1197Ser (NM_001365952.1); c.3452A>C, p.Tyr1151Ser (NM_015074.3); short protein forms Y1151S, Y1197S.
Identifiers: ClinVar variation 3226460 (VCV003226460.1), dbSNP rs2521752477, ClinGen allele CA338341833.
Genomic context (GRCh38, chr1:10,342,126, plus strand): 5'-CTGAATCATTTGTGGATTACATCAAAACCAAGCCTATTGTATTTGAAGTCTTTGGGCATT[A>C]TCAGCAGCACCCACTTCATCTGCAAGGACAGGAGCTTAACAGGTTTGGACCAGATAAGCA-3'
Protein context (NP_001352880.1, residues 1187-1207): KPIVFEVFGH[Tyr1197Ser]QQHPLHLQGQ